The following is an entry in ClinVar:

ClinVar aggregate classification (germline): Uncertain significance (1 of 4 stars; one submission).

gnomAD v4.1: 2 of 1,508,198 alleles (0.00013%); highest among the groups gnomAD compares: East Asian, 0.0026%; no homozygotes.

Submission:

GeneDx
Classification: Uncertain significance. Last evaluated: 2025-01-04. Review status: criteria provided, single submitter. Criteria: GeneDx Variant Classification Process June 2021. Collection method: clinical testing. Allele origin: germline. Affected: yes.
Comment: Not observed at significant frequency in large population cohorts (gnomAD); In silico analysis indicates that this missense variant does not alter protein structure/function; Has not been previously published as pathogenic or benign to our knowledge

NM_000180.4(GUCY2D):c.100C>T (p.Pro34Ser)

Gene: GUCY2D (guanylate cyclase 2D, retinal; plus strand). Cytogenetic location: 17p13.1.
Variant type: single nucleotide variant.
Coding change: c.100C>T on transcript NM_000180.4 (MANE Select); coding-DNA position 100, C replaced by T.
Protein change: p.Pro34Ser; replaces proline 34 with serine.
Molecular consequence: missense variant.
Genome position (GRCh38, 1-based): chr17:8,003,147, C>T. VCF-style: chr17-8003147-C-T. GRCh37 (hg19) VCF-style: chr17-7906465-C-T.
Other names: short protein forms P34S.
Identifiers: ClinVar variation 4055886 (VCV004055886.1).
Genomic context (GRCh38, chr17:8,003,147, plus strand): 5'-CCCGGGCTCTGCGGTCCCGCGTGGTGGGCTCCGTCCCTGCCCCGCCTCCCCCGGGCCCTG[C>T]CCCGGCTCCCGCTCCTGCTGCTCCTGCTTCTGCTGCAGCCCCCCGCCCTCTCCGCCGTGT-3'
Protein context (NP_000171.1, residues 24-44): PSLPRLPRAL[Pro34Ser]RLPLLLLLLL